The following is an entry in ClinVar:

ClinVar aggregate classification (germline): Likely benign. Review status: criteria provided, multiple submitters, no conflicts (2 of 4 stars). 2 submissions from 2 submitters: Likely benign (2). Last evaluated 2025-12-07.

Conditions:
NEFL-related disorder. Also called: NEFL-related condition.
Charcot-Marie-Tooth disease type 2E (CMT2E). Also called: CHARCOT-MARIE-TOOTH DISEASE, AXONAL, TYPE 2E; CHARCOT-MARIE-TOOTH NEUROPATHY, TYPE 2E. Identifiers: Orphanet 99939, MedGen C1843225, MONDO:0011894, OMIM 607684.

Allele frequency attached by ClinVar (database versions not stated): gnomAD 0.00001 and 0.00002; ExAC 0.00004; 1000 Genomes Project 30x 0.00031; TOPMed 0.00003.
gnomAD v4.1: 15 of 1,606,090 alleles (0.00093%); highest among the groups gnomAD compares: East Asian, 0.031%; no homozygotes.

Submissions (2):

PreventionGenetics, part of Exact Sciences
Classification: Likely benign for NEFL-related condition. Last evaluated: 2025-12-07. Review status: criteria provided, single submitter. Criteria: ACMG Guidelines, 2015. Collection method: clinical testing. Allele origin: germline.
Comment: This variant is classified as likely benign based on ACMG/AMP sequence variant interpretation guidelines (Richards et al. 2015 PMID: 25741868, with internal and published modifications).

Labcorp Genetics (formerly Invitae), Labcorp
Classification: Likely benign for Charcot-Marie-Tooth disease type 2E. Last evaluated: 2024-12-09. Review status: criteria provided, single submitter. Criteria: Invitae Variant Classification Sherloc (09022015). Collection method: clinical testing. Allele origin: germline.

NM_006158.5(NEFL):c.621C>T (p.Ala207=)

Gene: NEFL (neurofilament light chain; minus strand). Cytogenetic location: 8p21.2.
Variant type: single nucleotide variant.
Coding change: c.621C>T on transcript NM_006158.5 (MANE Select); coding-DNA position 621, C replaced by T.
Protein change: p.Ala207=; no amino-acid change (alanine 207 retained).
Molecular consequence: synonymous variant.
Genome position (GRCh38, 1-based): chr8:24,955,895, G>A on the plus strand (C>T on the coding strand, the complement: NEFL is on the minus strand). VCF-style: chr8-24955895-G-A. GRCh37 (hg19) VCF-style: chr8-24813409-G-A.
Other names: c.621C>T (NM_006158.4).
Identifiers: ClinVar variation 1105267 (VCV001105267.8), dbSNP rs763294014, ClinGen allele CA4681464.
Genomic context (GRCh38, chr8:24,955,895, plus strand): 5'-GTGCACTTTCTTCAGAAAAGAGATTTCGTCCATCAAGCTGTCGATGCGCTTCTCGAGCTC[G>A]GCGCGAGCGAGCGCCGCCTCGTCGGCGCCTTTGCGCGCTTCCATCAGCCGGCCCTCGGCG-3'
Protein context (NP_006149.2, residues 197-217): KGADEAALAR[Ala207=]ELEKRIDSLM